The following is an entry in ClinVar:

NM_170665.4(ATP2A2):c.-10C>G

Gene: ATP2A2 (ATPase sarcoplasmic/endoplasmic reticulum Ca2+ transporting 2; plus strand). Cytogenetic location: 12q24.11.
Variant type: single nucleotide variant.
Coding change: c.-10C>G on transcript NM_170665.4 (MANE Select); 10 bases upstream of the start codon, C replaced by G.
Molecular consequence: 5 prime UTR variant.
Genome position (GRCh38, 1-based): chr12:110,281,780, C>G. VCF-style: chr12-110281780-C-G. GRCh37 (hg19) VCF-style: chr12-110719585-C-G.
Other names: c.-10C>G (NM_001681.4).
Identifiers: ClinVar variation 307158 (VCV000307158.37), dbSNP rs201929640, ClinGen allele CA6783565.

ClinVar aggregate classification (germline): Benign/Likely benign. Review status: criteria provided, multiple submitters, no conflicts (2 of 4 stars). 9 submissions from 8 submitters: Benign (5); Likely benign (4). Last evaluated 2026-06-01.

Conditions:
Acrokeratosis verruciformis of Hopf (AKV). Also called: Acrokeratosis verruciformis; HOPF DISEASE. Identifiers: Orphanet 79151, MedGen C0265971, MONDO:0007048, OMIM 101900.
Keratosis follicularis (DAR). Also called: Darier disease; Darier's disease. Identifiers: Orphanet 218, MedGen C0022595, MONDO:0007417, OMIM 124200.

Allele frequency attached by ClinVar (database versions not stated): ESP Exome Variant Server 0.00548; TOPMed 0.00598; gnomAD 0.00695 and 0.00698; gnomAD exomes 0.00752; ExAC 0.00957; 1000 Genomes Project 0.00359; 1000 Genomes Project 30x 0.00375.

Submissions (9):

CeGaT Center for Human Genetics Tuebingen
Classification: Benign. Last evaluated: 2026-06-01. Review status: criteria provided, single submitter. Criteria: CeGaT Center For Human Genetics Tuebingen Variant Classification Criteria Version 2. Collection method: clinical testing. Allele origin: germline. Affected: yes. Observed: 6 variant alleles.
Comment: ATP2A2: BS1, BS2

Fulgent Genetics
Classification: Likely benign for Acrokeratosis verruciformis of Hopf; Keratosis follicularis. Last evaluated: 2022-04-21. Review status: criteria provided, single submitter. Criteria: ACMG Guidelines, 2015. Collection method: clinical testing. Allele origin: unknown.

Genome-Nilou Lab
Classification: Benign for Acrokeratosis verruciformis of Hopf. Last evaluated: 2021-12-05. Review status: criteria provided, single submitter. Criteria: ACMG Guidelines, 2015. Collection method: clinical testing. Allele origin: germline. Affected: no.

Genome-Nilou Lab
Classification: Benign for Keratosis follicularis. Last evaluated: 2021-12-05. Review status: criteria provided, single submitter. Criteria: ACMG Guidelines, 2015. Collection method: clinical testing. Allele origin: germline. Affected: no.

Mendelics
Classification: Benign for Keratosis follicularis. Last evaluated: 2019-05-28. Review status: criteria provided, single submitter. Criteria: Mendelics Assertion Criteria 2017. Collection method: clinical testing. Allele origin: unknown.

Illumina Laboratory Services, Illumina
Classification: Benign for Keratosis follicularis. Last evaluated: 2018-03-06. Review status: criteria provided, single submitter. Criteria: ICSL Variant Classification Criteria 13 December 2019. Collection method: clinical testing. Allele origin: germline.
Comment: This variant was observed in the ICSL laboratory as part of a predisposition screen in an ostensibly healthy population. It had not been previously curated by ICSL or reported in the Human Gene Mutation Database (HGMD: prior to June 1st, 2018), and was therefore a candidate for classification through an automated scoring system. Utilizing variant allele frequency, disease prevalence and penetrance estimates, and inheritance mode, an automated score was calculated to assess if this variant is too frequent to cause the disease. Based on the score and internal cut-off values, a variant classified as benign is not then subjected to further curation. The score for this variant resulted in a classification of benign for this disease.

Laboratory for Molecular Medicine, Mass General Brigham Personalized Medicine
Classification: Likely benign. Last evaluated: 2016-03-28. Review status: criteria provided, single submitter. Criteria: LMM Criteria. Collection method: clinical testing. Allele origin: germline.
Comment: Variant identified in a genome or exome case(s) and assessed due to predicted null impact of the variant or pathogenic assertions in the literature or databases. Disclaimer: This variant has not undergone full assessment. The following are preliminary notes: Associated with reduced mRNA expression and risk for colon cancer.

GeneDx
Classification: Likely benign. Last evaluated: 2016-02-24. Review status: criteria provided, single submitter. Criteria: GeneDx Variant Classification (06012015). Collection method: clinical testing. Allele origin: germline. Affected: yes.
Comment: This variant is considered likely benign or benign based on one or more of the following criteria: it is a conservative change, it occurs at a poorly conserved position in the protein, it is predicted to be benign by multiple in silico algorithms, and/or has population frequency not consistent with disease.

Breakthrough Genomics
Classification: Likely benign. Review status: criteria provided, single submitter. Criteria: ACMG Guidelines, 2015. Collection method: not provided. Allele origin: germline. Inheritance: Autosomal dominant inheritance. Affected: yes.